The following is an entry in ClinVar:

ClinVar aggregate classification (germline): Uncertain significance (1 of 4 stars; one submission).

Submission:

GeneDx
Classification: Uncertain significance. Last evaluated: 2026-01-23. Review status: criteria provided, single submitter. Criteria: GeneDx Variant Classification Process June 2021. Collection method: clinical testing. Allele origin: germline.
Comment: Not observed at significant frequency in large population cohorts (gnomAD); In silico analysis supports that this missense variant has a deleterious effect on protein structure/function; Has not been previously published as pathogenic or benign to our knowledge; In silico analysis is inconclusive as to whether the variant alters gene splicing. In the absence of RNA/functional studies, the actual effect of this sequence change is unknown.

NM_170606.3(KMT2C):c.3839C>T (p.Pro1280Leu)

Gene: KMT2C (lysine methyltransferase 2C; minus strand). Cytogenetic location: 7q36.1.
Variant type: single nucleotide variant.
Coding change: c.3839C>T on transcript NM_170606.3 (MANE Select); coding-DNA position 3839, C replaced by T.
Protein change: p.Pro1280Leu; replaces proline 1280 with leucine.
Molecular consequence: missense variant.
Genome position (GRCh38, 1-based): chr7:152,207,302, G>A on the plus strand (C>T on the coding strand, the complement: KMT2C is on the minus strand). VCF-style: chr7-152207302-G-A. GRCh37 (hg19) VCF-style: chr7-151904387-G-A.
Other names: short protein forms P1280L.
Identifiers: ClinVar variation 4975484 (VCV004975484.1).